The following is an entry in ClinVar:

NM_016122.3(CEP83):c.563A>C (p.Glu188Ala)

Gene: CEP83 (centrosomal protein 83; minus strand). Cytogenetic location: 12q22.
Variant type: single nucleotide variant.
Coding change: c.563A>C on transcript NM_016122.3 (MANE Select); coding-DNA position 563, A replaced by C.
Protein change: p.Glu188Ala; replaces glutamic acid 188 with alanine.
Molecular consequence: missense variant. On other transcripts: non-coding transcript variant (3).
Genome position (GRCh38, 1-based): chr12:94,379,029, T>G on the plus strand (A>C on the coding strand, the complement: CEP83 is on the minus strand). VCF-style: chr12-94379029-T-G. GRCh37 (hg19) VCF-style: chr12-94772805-T-G.
Other names: c.563A>C, p.Glu188Ala (NM_001042399.2, NM_001346457.2, NM_001346460.2 and 3 more transcripts); c.251A>C, p.Glu84Ala (NM_001346458.2, NM_001346459.2, NM_001346462.2 and 2 more transcripts); c.338A>C, p.Glu113Ala (NM_001368041.1); c.26A>C, p.Glu9Ala (NM_001368042.1); c.563A>C (NM_016122.2); short protein forms E9A, E113A, E188A, E84A.
Identifiers: ClinVar variation 1039330 (VCV001039330.7), dbSNP rs898088818, ClinGen allele CA242063195.

ClinVar aggregate classification (germline): Uncertain significance. Review status: criteria provided, multiple submitters, no conflicts (2 of 4 stars). 2 submissions from 2 submitters: Uncertain significance (2). Last evaluated 2022-12-28.

Conditions:
Nephronophthisis 18 (NPHP18). Identifiers: Orphanet 655, MedGen C3890591, MONDO:0014374, OMIM 615862.
Inborn genetic diseases. Identifiers: MedGen C0950123, MeSH D030342.

Allele frequency attached by ClinVar (database versions not stated): gnomAD 0.00001 and 0.00002; gnomAD exomes 0.00001; TOPMed 0.00003.

Submissions (2):

Ambry Genetics
Classification: Uncertain significance for Inborn genetic diseases. Last evaluated: 2022-12-28. Review status: criteria provided, single submitter. Criteria: Ambry Variant Classification Scheme 2023. Collection method: clinical testing. Allele origin: germline.

Labcorp Genetics (formerly Invitae), Labcorp
Classification: Uncertain significance for Nephronophthisis 18. Last evaluated: 2022-11-22. Review status: criteria provided, single submitter. Criteria: Invitae Variant Classification Sherloc (09022015). Collection method: clinical testing. Allele origin: germline.
Comment: In summary, the available evidence is currently insufficient to determine the role of this variant in disease. Therefore, it has been classified as a Variant of Uncertain Significance. Advanced modeling of protein sequence and biophysical properties (such as structural, functional, and spatial information, amino acid conservation, physicochemical variation, residue mobility, and thermodynamic stability) performed at Invitae indicates that this missense variant is not expected to disrupt CEP83 protein function. ClinVar contains an entry for this variant (Variation ID: 1039330). This variant has not been reported in the literature in individuals affected with CEP83-related conditions. This variant is present in population databases (no rsID available, gnomAD 0.02%). This sequence change replaces glutamic acid, which is acidic and polar, with alanine, which is neutral and non-polar, at codon 188 of the CEP83 protein (p.Glu188Ala).